The following is an entry in ClinVar:

NM_033118.4(MYLK2):c.507C>G (p.Ser169Arg)

Gene: MYLK2 (myosin light chain kinase 2; plus strand). Cytogenetic location: 20q11.21.
Variant type: single nucleotide variant.
Coding change: c.507C>G on transcript NM_033118.4 (MANE Select); coding-DNA position 507, C replaced by G.
Protein change: p.Ser169Arg; replaces serine 169 with arginine.
Molecular consequence: missense variant.
Genome position (GRCh38, 1-based): chr20:31,821,472, C>G. VCF-style: chr20-31821472-C-G. GRCh37 (hg19) VCF-style: chr20-30409275-C-G.
Other names: short protein forms S169R.
Identifiers: ClinVar variation 3401159 (VCV003401159.1).
Genomic context (GRCh38, chr20:31,821,472, plus strand): 5'-CTTCACCTCTGTGTTCTCACCTTCTAGTTCTGAGAAGCTGCTGGCCAAGAAGCCCCCAAG[C>G]GAGGCATCAGAGCTCACCTTTGAAGGGGTGCCCATGACCCACAGCCCCACGGATCCCAGG-3'
Protein context (NP_149109.1, residues 159-179): SEKLLAKKPP[Ser169Arg]EASELTFEGV

ClinVar aggregate classification (germline): Uncertain significance (1 of 4 stars; one submission).

Submission:

Ambry Genetics
Classification: Uncertain significance. Last evaluated: 2024-11-27. Review status: criteria provided, single submitter. Criteria: Ambry Variant Classification Scheme 2023. Collection method: clinical testing. Allele origin: germline.
Comment: The p.S169R variant (also known as c.507C>G), located in coding exon 3 of the MYLK2 gene, results from a C to G substitution at nucleotide position 507. The serine at codon 169 is replaced by arginine, an amino acid with dissimilar properties. This amino acid position is conserved. In addition, this alteration is predicted to be tolerated by in silico analysis. Based on the available evidence, the clinical significance of this variant remains unclear.